The following is an entry in ClinVar:

ClinVar aggregate classification (germline): Uncertain significance (1 of 4 stars; one submission).

Conditions:
Dilated cardiomyopathy 1G (CMD1G). Identifiers: Orphanet 154, MedGen C1858763, MONDO:0011400, OMIM 604145.
Autosomal recessive limb-girdle muscular dystrophy type 2J (LGMDR10). Also called: Limb-girdle muscular dystrophy, type 2J; MUSCULAR DYSTROPHY, LIMB-GIRDLE, AUTOSOMAL RECESSIVE 10. Identifiers: Orphanet 140922, MedGen C1837342, MONDO:0012127, OMIM 608807.

Submission:

Labcorp Genetics (formerly Invitae), Labcorp
Classification: Uncertain significance for Dilated cardiomyopathy 1G; Autosomal recessive limb-girdle muscular dystrophy type 2J. Last evaluated: 2023-03-30. Review status: criteria provided, single submitter. Criteria: Invitae Variant Classification Sherloc (09022015). Collection method: clinical testing. Allele origin: germline.
Comment: ClinVar contains an entry for this variant (Variation ID: 2127132). This sequence change replaces glutamic acid, which is acidic and polar, with glutamine, which is neutral and polar, at codon 16254 of the TTN protein (p.Glu16254Gln). This variant also falls at the last nucleotide of exon 260, which is part of the consensus splice site for this exon. This variant is not present in population databases (gnomAD no frequency). This variant has not been reported in the literature in individuals affected with TTN-related conditions. Experimental studies and prediction algorithms are not available or were not evaluated, and the functional significance of this variant is currently unknown. Variants that disrupt the consensus splice site are a relatively common cause of aberrant splicing (PMID: 17576681, 9536098). This variant is located in the A band of TTN (PMID: 25589632). Variants in this region may be relevant for cardiac or neuromuscular disorders (PMID: 25589632, 23975875). In summary, the available evidence is currently insufficient to determine the role of this variant in disease. Therefore, it has been classified as a Variant of Uncertain Significance.

Literature cited by the submitters: PubMed 17576681; PubMed 9536098; PubMed 25589632; PubMed 23975875.

NM_001267550.2(TTN):c.48760G>C (p.Glu16254Gln)

Genes: TTN-AS1 (TTN antisense RNA 1; plus strand), TTN (titin; minus strand), LOC126806426 (BRD4-independent group 4 enhancer GRCh37_chr2:179478848-179480047; plus strand). Cytogenetic location: 2q31.2.
Variant type: single nucleotide variant.
Coding change: c.48760G>C on transcript NM_001267550.2 (MANE Select); coding-DNA position 48760, G replaced by C.
Protein change: p.Glu16254Gln; replaces glutamic acid 16254 with glutamine.
Molecular consequence: missense variant.
Genome position (GRCh38, 1-based): chr2:178,614,847, C>G on the plus strand (G>C on the coding strand, the complement: TTN is on the minus strand). VCF-style: chr2-178614847-C-G. GRCh37 (hg19) VCF-style: chr2-179479574-C-G.
Other names: c.43837G>C, p.Glu14613Gln (NM_001256850.1); c.21565G>C, p.Glu7189Gln (NM_003319.4); c.41056G>C, p.Glu13686Gln (NM_133378.4); c.21940G>C, p.Glu7314Gln (NM_133432.3); c.22141G>C, p.Glu7381Gln (NM_133437.4); short protein forms E14613Q, E7314Q, E13686Q, E7189Q, E16254Q, E7381Q.
Identifiers: ClinVar variation 2127132 (VCV002127132.4), dbSNP rs2470693959, ClinGen allele CA349608132.
Genomic context (GRCh38, chr2:178,614,847, plus strand): 5'-AGTTCAAGCAGATTTAAGGTCAGAGGCCTATTTGATAAGACAAAAATCAAAAATAGATAC[C>G]TTGTGTGTCCACAGCCTGGATTTCCTCTGTGGGTCTGCTTGGTTTGCTAGCACCCTGCCT-3'
Protein context (NP_001254479.2, residues 16244-16264): TEEIQAVDTQ[Glu16254Gln]APEIFLDVKL